The following is an entry in ClinVar:

NM_058216.3(RAD51C):c.167A>G (p.Glu56Gly)

Gene: RAD51C (RAD51 paralog C; plus strand). Cytogenetic location: 17q22.
Variant type: single nucleotide variant.
Coding change: c.167A>G on transcript NM_058216.3 (MANE Select); coding-DNA position 167, A replaced by G.
Protein change: p.Glu56Gly; replaces glutamic acid 56 with glycine.
Molecular consequence: missense variant. On other transcripts: non-coding transcript variant (2).
Genome position (GRCh38, 1-based): chr17:58,694,952, A>G. VCF-style: chr17-58694952-A-G. GRCh37 (hg19) VCF-style: chr17-56772313-A-G.
Other names: c.167A>G, p.Glu56Gly (NM_002876.4); short protein forms E56G.
Identifiers: ClinVar variation 628168 (VCV000628168.14), dbSNP rs1567785734, ClinGen allele CA400339671.

ClinVar aggregate classification (germline): Conflicting classifications of pathogenicity. Review status: criteria provided, conflicting classifications (1 of 4 stars). 3 submissions from 3 submitters: Uncertain significance (2); Likely benign (1). Last evaluated 2025-10-09.

Conditions:
Hereditary cancer-predisposing syndrome. Also called: Tumor predisposition; Neoplastic Syndromes, Hereditary; Hereditary Cancer Syndrome; Hereditary neoplastic syndrome. Identifiers: Orphanet 140162, MedGen C0027672, MeSH D009386, MONDO:0015356.
Fanconi anemia complementation group O. Also called: RAD51C-Related Fanconi Anemia. Identifiers: Orphanet 84, MedGen C3150653, MONDO:0013248, OMIM 613390.

Allele frequency attached by ClinVar (database versions not stated): gnomAD exomes below 0.00001.
gnomAD v4.1: 6 of 1,613,800 alleles (0.00037%); highest among the groups gnomAD compares: Non-Finnish European, 0.00051%; no homozygotes.

Submissions (3):

Ambry Genetics
Classification: Likely benign for Hereditary cancer-predisposing syndrome. Last evaluated: 2025-10-09. Review status: criteria provided, single submitter. Criteria: Ambry Variant Classification Scheme 2023. Collection method: clinical testing. Allele origin: germline.

Labcorp Genetics (formerly Invitae), Labcorp
Classification: Uncertain significance for Fanconi anemia complementation group O. Last evaluated: 2024-06-22. Review status: criteria provided, single submitter. Criteria: Invitae Variant Classification Sherloc (09022015). Collection method: clinical testing. Allele origin: germline.
Comment: This sequence change replaces glutamic acid, which is acidic and polar, with glycine, which is neutral and non-polar, at codon 56 of the RAD51C protein (p.Glu56Gly). This variant is not present in population databases (gnomAD no frequency). This variant has not been reported in the literature in individuals affected with RAD51C-related conditions. ClinVar contains an entry for this variant (Variation ID: 628168). Advanced modeling of protein sequence and biophysical properties (such as structural, functional, and spatial information, amino acid conservation, physicochemical variation, residue mobility, and thermodynamic stability) has been performed at Invitae for this missense variant, however the output from this modeling did not meet the statistical confidence thresholds required to predict the impact of this variant on RAD51C protein function. In summary, the available evidence is currently insufficient to determine the role of this variant in disease. Therefore, it has been classified as a Variant of Uncertain Significance.

Color Diagnostics, LLC DBA Color Health
Classification: Uncertain significance for Hereditary cancer-predisposing syndrome. Last evaluated: 2024-03-06. Review status: criteria provided, single submitter. Criteria: ACMG Guidelines, 2015. Collection method: clinical testing. Allele origin: germline.
Comment: This missense variant replaces glutamic acid with glycine at codon 56 of the RAD51C protein. Computational prediction suggests that this variant may not impact protein structure and function (internally defined REVEL score threshold <= 0.5, PMID: 27666373). To our knowledge, functional studies have not been reported for this variant. This variant has not been reported in individuals affected with hereditary cancer in the literature. This variant has not been identified in the general population by the Genome Aggregation Database (gnomAD). The available evidence is insufficient to determine the role of this variant in disease conclusively. Therefore, this variant is classified as a Variant of Uncertain Significance.